The following is an entry in ClinVar:

ClinVar aggregate classification (germline): Uncertain significance (1 of 4 stars; one submission).

Allele frequency attached by ClinVar (database versions not stated): gnomAD exomes below 0.00001.
gnomAD v4.1: 1 of 1,614,154 alleles (0.000062%); highest among the groups gnomAD compares: Admixed American, 0.0017%; no homozygotes.

Submission:

Ambry Genetics
Classification: Uncertain significance. Last evaluated: 2022-07-11. Review status: criteria provided, single submitter. Criteria: Ambry Variant Classification Scheme 2023. Collection method: clinical testing. Allele origin: germline.
Comment: The p.E294K variant (also known as c.880G>A), located in coding exon 4 of the MNDA gene, results from a G to A substitution at nucleotide position 880. The glutamic acid at codon 294 is replaced by lysine, an amino acid with similar properties. This amino acid position is conserved. In addition, this alteration is predicted to be tolerated by in silico analysis. Since supporting evidence is limited at this time, the clinical significance of this alteration remains unclear.

NM_002432.3(MNDA):c.880G>A (p.Glu294Lys)

Gene: MNDA (myeloid cell nuclear differentiation antigen; plus strand). Cytogenetic location: 1q23.1.
Variant type: single nucleotide variant.
Coding change: c.880G>A on transcript NM_002432.3 (MANE Select); coding-DNA position 880, G replaced by A.
Protein change: p.Glu294Lys; replaces glutamic acid 294 with lysine.
Molecular consequence: missense variant.
Genome position (GRCh38, 1-based): chr1:158,845,896, G>A. VCF-style: chr1-158845896-G-A. GRCh37 (hg19) VCF-style: chr1-158815686-G-A.
Other names: short protein forms E294K.
Identifiers: ClinVar variation 1764753 (VCV001764753.2), dbSNP rs1162503615, ClinGen allele CA343042120.